The following is an entry in ClinVar:

ClinVar aggregate classification (germline): Likely benign. Review status: criteria provided, multiple submitters, no conflicts (2 of 4 stars). 3 submissions from 3 submitters: Likely benign (3). Last evaluated 2026-05-04.

Conditions:
ZNF423-related disorder. Also called: ZNF423-related condition.
Nephronophthisis 14 (NPHP14). Identifiers: Orphanet 2318, MedGen C3539071, MONDO:0013916, OMIM 614844.

Allele frequency attached by ClinVar (database versions not stated): gnomAD 0.00001; TOPMed 0.00001; gnomAD exomes 0.00002 and 0.00003; ExAC 0.00006.
gnomAD v4.1: 26 of 1,613,062 alleles (0.0016%); highest among the groups gnomAD compares: East Asian, 0.027%; no homozygotes.

Submissions (3):

PreventionGenetics, part of Exact Sciences
Classification: Likely benign for ZNF423-related condition. Last evaluated: 2026-05-04. Review status: criteria provided, single submitter. Criteria: ACMG Guidelines, 2015. Collection method: clinical testing. Allele origin: germline.
Comment: This variant is classified as likely benign based on ACMG/AMP sequence variant interpretation guidelines (Richards et al. 2015 PMID: 25741868, with internal and published modifications).

Labcorp Genetics (formerly Invitae), Labcorp
Classification: Likely benign for Nephronophthisis 14. Last evaluated: 2025-07-22. Review status: criteria provided, single submitter. Criteria: Invitae Variant Classification Sherloc (09022015). Collection method: clinical testing. Allele origin: germline.

Blueprint Genetics
Classification: Likely benign. Last evaluated: 2024-07-26. Review status: criteria provided, single submitter. Criteria: ACMG Guidelines, 2015. Collection method: clinical testing. Allele origin: germline.

NM_001379286.1(ZNF423):c.903G>A (p.Ala301=)

Gene: ZNF423 (zinc finger protein 423; minus strand). Cytogenetic location: 16q12.1.
Variant type: single nucleotide variant.
Coding change: c.903G>A on transcript NM_001379286.1 (MANE Select); coding-DNA position 903, G replaced by A.
Protein change: p.Ala301=; no amino-acid change (alanine 301 retained).
Molecular consequence: synonymous variant.
Genome position (GRCh38, 1-based): chr16:49,638,273, C>T on the plus strand (G>A on the coding strand, the complement: ZNF423 is on the minus strand). VCF-style: chr16-49638273-C-T. GRCh37 (hg19) VCF-style: chr16-49672184-C-T.
Other names: c.879G>A (NM_015069.4); c.699G>A, p.Ala233= (NM_001271620.2); c.528G>A, p.Ala176= (NM_001330533.2); c.879G>A, p.Ala293= (NM_015069.5).
Identifiers: ClinVar variation 1121074 (VCV001121074.11), dbSNP rs777817106, ClinGen allele CA8046794.